The following is an entry in ClinVar:

NM_022552.5(DNMT3A):c.707C>T (p.Ser236Phe)

Gene: DNMT3A (DNA methyltransferase 3 alpha; minus strand). Cytogenetic location: 2p23.3.
Variant type: single nucleotide variant.
Coding change: c.707C>T on transcript NM_022552.5 (MANE Select); coding-DNA position 707, C replaced by T.
Protein change: p.Ser236Phe; replaces serine 236 with phenylalanine.
Molecular consequence: missense variant. On other transcripts: non-coding transcript variant (1).
Genome position (GRCh38, 1-based): chr2:25,248,185, G>A on the plus strand (C>T on the coding strand, the complement: DNMT3A is on the minus strand). VCF-style: chr2-25248185-G-A. GRCh37 (hg19) VCF-style: chr2-25471054-G-A.
Other names: c.251C>T, p.Ser84Phe (NM_001320893.1); c.38C>T, p.Ser13Phe (NM_001375819.1); c.140C>T, p.Ser47Phe (NM_153759.3); c.707C>T, p.Ser236Phe (NM_175629.2); short protein forms S13F, S236F, S84F, S47F.
Identifiers: ClinVar variation 4243603 (VCV004243603.1).

ClinVar aggregate classification (germline): Uncertain significance (1 of 4 stars; one submission).

Conditions:
Inborn genetic diseases. Identifiers: MedGen C0950123, MeSH D030342.

gnomAD v4.1: 1 of 1,613,854 alleles (0.000062%); highest among the groups gnomAD compares: Non-Finnish European, 0.000085%; no homozygotes.

Submission:

Ambry Genetics
Classification: Uncertain significance for Inborn genetic diseases. Last evaluated: 2025-07-20. Review status: criteria provided, single submitter. Criteria: Ambry Variant Classification Scheme 2023. Collection method: clinical testing. Allele origin: germline.
Comment: The p.S236F variant (also known as c.707C>T), located in coding exon 6 of the DNMT3A gene, results from a C to T substitution at nucleotide position 707. The serine at codon 236 is replaced by phenylalanine, an amino acid with highly dissimilar properties. This amino acid position is conserved. In addition, this alteration is predicted to be tolerated by in silico analysis. Based on the available evidence, the clinical significance of this variant remains unclear.